The following is an entry in ClinVar:

NM_000400.4(ERCC2):c.1429A>G (p.Thr477Ala)

Gene: ERCC2 (ERCC excision repair 2, TFIIH core complex helicase subunit; minus strand). Cytogenetic location: 19q13.32.
Variant type: single nucleotide variant.
Coding change: c.1429A>G on transcript NM_000400.4 (MANE Select); coding-DNA position 1429, A replaced by G.
Protein change: p.Thr477Ala; replaces threonine 477 with alanine.
Molecular consequence: missense variant.
Genome position (GRCh38, 1-based): chr19:45,357,320, T>C on the plus strand (A>G on the coding strand, the complement: ERCC2 is on the minus strand). VCF-style: chr19-45357320-T-C. GRCh37 (hg19) VCF-style: chr19-45860578-T-C.
Other names: short protein forms T477A.
Identifiers: ClinVar variation 3276227 (VCV003276227.1).

ClinVar aggregate classification (germline): Uncertain significance (1 of 4 stars; one submission).

Conditions:
Inborn genetic diseases. Identifiers: MedGen C0950123, MeSH D030342.

Submission:

Ambry Genetics
Classification: Uncertain significance for Inborn genetic diseases. Last evaluated: 2024-05-10. Review status: criteria provided, single submitter. Criteria: Ambry Variant Classification Scheme 2023. Collection method: clinical testing. Allele origin: germline.
Comment: The p.T477A variant (also known as c.1429A>G), located in coding exon 15 of the ERCC2 gene, results from an A to G substitution at nucleotide position 1429. The threonine at codon 477 is replaced by alanine, an amino acid with similar properties. This amino acid position is conserved. In addition, the in silico prediction for this alteration is inconclusive. Based on the available evidence, the clinical significance of this variant remains unclear.